The following is an entry in ClinVar:

NM_006087.4(TUBB4A):c.-62C>T

Genes: TUBB4A (tubulin beta 4A class IVa; minus strand), LOC130063295 (ATAC-STARR-seq lymphoblastoid silent region 9955; plus strand). Cytogenetic location: 19p13.3.
Variant type: single nucleotide variant.
Coding change: c.-62C>T on transcript NM_006087.4 (MANE Select); 62 bases upstream of the start codon, C replaced by T.
Molecular consequence: 5 prime UTR variant. On other transcripts: missense variant (2), intron variant (1).
Genome position (GRCh38, 1-based): chr19:6,502,274, G>A on the plus strand (C>T on the coding strand, the complement: TUBB4A is on the minus strand). VCF-style: chr19-6502274-G-A. GRCh37 (hg19) VCF-style: chr19-6502285-G-A.
Other names: c.92C>T, p.Ala31Val (NM_001289123.2); c.74C>T, p.Ala25Val (NM_001289127.2); c.-235C>T (NM_001289130.2); c.-202C>T (NM_001289131.2); c.-50-12C>T (NM_001289129.2); short protein forms A31V, A25V.
Identifiers: ClinVar variation 330268 (VCV000330268.10), dbSNP rs774284850, ClinGen allele CA9127502.

ClinVar aggregate classification (germline): Benign/Likely benign. Review status: criteria provided, multiple submitters, no conflicts (2 of 4 stars). 4 submissions from 3 submitters: Benign (2); Likely benign (2). Last evaluated 2026-03-01.

Conditions:
Torsion dystonia 4. Also called: DYT-TUBB4A (Autosomal Dominant Torsion Dystonia); DYSTONIA MUSCULORUM DEFORMANS 4. Identifiers: Orphanet 98805, MedGen C1851943, MONDO:0007493, OMIM 128101.
Leukodystrophy, hypomyelinating, 6. Also called: Hypomyelination with Atrophy of Basal Ganglia and Cerebellum (H-ABC); LEUKODYSTROPHY, HYPOMYELINATING, WITH ATROPHY OF THE BASAL GANGLIA AND CEREBELLUM; TUBB4A-Associated Leukodystrophy. Identifiers: Orphanet 139441, MedGen C2676244, MONDO:0012905, OMIM 612438.

Allele frequency attached by ClinVar (database versions not stated): gnomAD exomes 0.00051 and 0.00207; gnomAD 0.00071 and 0.00075; TOPMed 0.00071; ExAC 0.00497.
gnomAD v4.1: 827 of 1,461,064 alleles (0.057%); highest among the groups gnomAD compares: Non-Finnish European, 0.011%; 11 homozygotes.

Submissions (4):

CeGaT Center for Human Genetics Tuebingen
Classification: Likely benign. Last evaluated: 2026-03-01. Review status: criteria provided, single submitter. Criteria: CeGaT Center For Human Genetics Tuebingen Variant Classification Criteria Version 2. Collection method: clinical testing. Allele origin: germline. Affected: yes. Observed: 1 variant allele.
Comment: TUBB4A: PP2, BS1

Blueprint Genetics
Classification: Likely benign. Last evaluated: 2024-10-18. Review status: criteria provided, single submitter. Criteria: ACMG Guidelines, 2015. Collection method: clinical testing. Allele origin: germline.

Illumina Laboratory Services, Illumina
Classification: Benign for Torsion dystonia 4. Last evaluated: 2018-01-13. Review status: criteria provided, single submitter. Criteria: ICSL Variant Classification Criteria 13 December 2019. Collection method: clinical testing. Allele origin: germline.
Comment: This variant was observed in the ICSL laboratory as part of a predisposition screen in an ostensibly healthy population. It had not been previously curated by ICSL or reported in the Human Gene Mutation Database (HGMD: prior to June 1st, 2018), and was therefore a candidate for classification through an automated scoring system. Utilizing variant allele frequency, disease prevalence and penetrance estimates, and inheritance mode, an automated score was calculated to assess if this variant is too frequent to cause the disease. Based on the score and internal cut-off values, a variant classified as benign is not then subjected to further curation. The score for this variant resulted in a classification of benign for this disease.

Illumina Laboratory Services, Illumina
Classification: Benign for Leukodystrophy, hypomyelinating, 6. Last evaluated: 2018-01-13. Review status: criteria provided, single submitter. Criteria: ICSL Variant Classification Criteria 13 December 2019. Collection method: clinical testing. Allele origin: germline.
Comment: the same text as in the submission from Illumina Laboratory Services, Illumina above.